The following is an entry in ClinVar:

ClinVar aggregate classification (germline): Uncertain significance (1 of 4 stars; one submission).

Allele frequency attached by ClinVar (database versions not stated): gnomAD exomes below 0.00001; ExAC 0.00001.
gnomAD v4.1: 4 of 1,614,112 alleles (0.00025%); highest among the groups gnomAD compares: South Asian, 0.0011%; no homozygotes.

Submission:

Ambry Genetics
Classification: Uncertain significance. Last evaluated: 2023-10-15. Review status: criteria provided, single submitter. Criteria: Ambry Variant Classification Scheme 2023. Collection method: clinical testing. Allele origin: germline.
Comment: The p.E2370G variant (also known as c.7109A>G), located in coding exon 25 of the POLQ gene, results from an A to G substitution at nucleotide position 7109. The glutamic acid at codon 2370 is replaced by glycine, an amino acid with similar properties. This amino acid position is conserved. In addition, the in silico prediction for this alteration is inconclusive. Since supporting evidence is limited at this time, the clinical significance of this alteration remains unclear.

NM_199420.4(POLQ):c.7109A>G (p.Glu2370Gly)

Gene: POLQ (DNA polymerase theta; minus strand). Cytogenetic location: 3q13.33.
Variant type: single nucleotide variant.
Coding change: c.7109A>G on transcript NM_199420.4 (MANE Select); coding-DNA position 7109, A replaced by G.
Protein change: p.Glu2370Gly; replaces glutamic acid 2370 with glycine.
Molecular consequence: missense variant.
Genome position (GRCh38, 1-based): chr3:121,460,093, T>C on the plus strand (A>G on the coding strand, the complement: POLQ is on the minus strand). VCF-style: chr3-121460093-T-C. GRCh37 (hg19) VCF-style: chr3-121178940-T-C.
Other names: short protein forms E2370G.
Identifiers: ClinVar variation 1757201 (VCV001757201.2), dbSNP rs775415107, ClinGen allele CA2562272.